The following is an entry in ClinVar:

ClinVar aggregate classification (germline): Uncertain significance (1 of 4 stars; one submission).

Allele frequency attached by ClinVar (database versions not stated): gnomAD exomes below 0.00001 and 0.00001.
gnomAD v4.1: 2 of 1,588,344 alleles (0.00013%); highest among the groups gnomAD compares: Middle Eastern, 0.017%; no homozygotes.

Submission:

Labcorp Genetics (formerly Invitae), Labcorp
Classification: Uncertain significance. Last evaluated: 2024-10-15. Review status: criteria provided, single submitter. Criteria: Invitae Variant Classification Sherloc (09022015). Collection method: clinical testing. Allele origin: germline.
Comment: This sequence change replaces lysine, which is basic and polar, with glutamic acid, which is acidic and polar, at codon 126 of the PNPT1 protein (p.Lys126Glu). The frequency data for this variant in the population databases is considered unreliable, as metrics indicate poor data quality at this position in the gnomAD database. This variant has not been reported in the literature in individuals affected with PNPT1-related conditions. ClinVar contains an entry for this variant (Variation ID: 1382769). Invitae Evidence Modeling of protein sequence and biophysical properties (such as structural, functional, and spatial information, amino acid conservation, physicochemical variation, residue mobility, and thermodynamic stability) indicates that this missense variant is not expected to disrupt PNPT1 protein function with a negative predictive value of 80%. In summary, the available evidence is currently insufficient to determine the role of this variant in disease. Therefore, it has been classified as a Variant of Uncertain Significance.

NM_033109.5(PNPT1):c.376A>G (p.Lys126Glu)

Gene: PNPT1 (polyribonucleotide nucleotidyltransferase 1; minus strand). Cytogenetic location: 2p16.1.
Variant type: single nucleotide variant.
Coding change: c.376A>G on transcript NM_033109.5 (MANE Select); coding-DNA position 376, A replaced by G.
Protein change: p.Lys126Glu; replaces lysine 126 with glutamic acid.
Molecular consequence: missense variant.
Genome position (GRCh38, 1-based): chr2:55,684,970, T>C on the plus strand (A>G on the coding strand, the complement: PNPT1 is on the minus strand). VCF-style: chr2-55684970-T-C. GRCh37 (hg19) VCF-style: chr2-55912105-T-C.
Other names: short protein forms K126E.
Identifiers: ClinVar variation 1382769 (VCV001382769.6), dbSNP rs1475386993, ClinGen allele CA346940622.
Genomic context (GRCh38, chr2:55,684,970, plus strand): 5'-GAGAAGATGAACGCCTCTATGTTAATATCTTACCTATTATTCGACTTGTTAGAATTTCTT[T>C]ATCAGAAGTACCAATCTCTCTTCTCAGATAGTTTGTGGGAATTCTACCTGCTGCAGCAGC-3'
Protein context (NP_149100.2, residues 116-136): YLRREIGTSD[Lys126Glu]EILTSRIIDR